The following is an entry in ClinVar:

ClinVar aggregate classification (germline): Benign/Likely benign. Review status: criteria provided, multiple submitters, no conflicts (2 of 4 stars). 2 submissions from 2 submitters: Benign (1); Likely benign (1). Last evaluated 2024-11-13.

Allele frequency attached by ClinVar (database versions not stated): TOPMed 0.00002; gnomAD exomes 0.00019; ExAC 0.00034; 1000 Genomes Project 30x 0.00047; gnomAD 0.00054; 1000 Genomes Project 0.00060.
gnomAD v4.1: 357 of 1,613,362 alleles (0.022%); highest among the groups gnomAD compares: Non-Finnish European, 0.002%; 1 homozygote.

Submissions (2):

Labcorp Genetics (formerly Invitae), Labcorp
Classification: Benign. Last evaluated: 2024-11-13. Review status: criteria provided, single submitter. Criteria: Invitae Variant Classification Sherloc (09022015). Collection method: clinical testing. Allele origin: germline.

CeGaT Center for Human Genetics Tuebingen
Classification: Likely benign. Last evaluated: 2024-06-01. Review status: criteria provided, single submitter. Criteria: CeGaT Center For Human Genetics Tuebingen Variant Classification Criteria Version 2. Collection method: clinical testing. Allele origin: germline. Affected: yes. Observed: 1 variant allele.
Comment: GATAD2B: BP4, BS1

NM_020699.4(GATAD2B):c.934A>G (p.Thr312Ala)

Gene: GATAD2B (GATA zinc finger domain containing 2B; minus strand). Cytogenetic location: 1q21.3.
Variant type: single nucleotide variant.
Coding change: c.934A>G on transcript NM_020699.4 (MANE Select); coding-DNA position 934, A replaced by G.
Protein change: p.Thr312Ala; replaces threonine 312 with alanine.
Molecular consequence: missense variant.
Genome position (GRCh38, 1-based): chr1:153,816,555, T>C on the plus strand (A>G on the coding strand, the complement: GATAD2B is on the minus strand). VCF-style: chr1-153816555-T-C. GRCh37 (hg19) VCF-style: chr1-153789031-T-C.
Other names: short protein forms T312A.
Identifiers: ClinVar variation 3250654 (VCV003250654.20), dbSNP rs184247437.
Genomic context (GRCh38, chr1:153,816,555, plus strand): 5'-CTCTGTTCACCGTCCCTGGCTGGATATGAGAAGCAAGGTTCATATAGATGGCAGAGGATG[T>C]TGTACGCTGACATGGAACAGAAGAACTTGACTGCTGAAATAGATTGAGAATGCGGTCAAT-3'
Protein context (NP_065750.1, residues 302-322): SSSSVPCQRT[Thr312Ala]SSAIYMNLAS